The following is an entry in ClinVar:

ClinVar aggregate classification (germline): Uncertain significance. Review status: criteria provided, single submitter (1 of 4 stars). 2 submissions from 2 submitters: Uncertain significance (1). 1 of the submissions does not count toward it. Last evaluated 2021-01-31.

Conditions:
Porphobilinogen synthase deficiency. Also called: ALAD DEFICIENCY; DELTA-AMINOLEVULINATE DEHYDRATASE DEFICIENCY; DOSS PORPHYRIA; PORPHYRIA, ALAD; Porphyria due to ALA dehydratase deficiency. Identifiers: Orphanet 100924, MedGen C0268328, MONDO:0013000, OMIM 612740.

Allele frequency attached by ClinVar (database versions not stated): gnomAD 0.00001; ExAC 0.00001; TOPMed 0.00001; gnomAD exomes 0.00003.
gnomAD v4.1: 27 of 1,613,860 alleles (0.0017%); highest among the groups gnomAD compares: South Asian, 0.0044%; no homozygotes.

Submissions (2):

Labcorp Genetics (formerly Invitae), Labcorp
Classification: Uncertain significance. Last evaluated: 2021-01-31. Review status: criteria provided, single submitter. Criteria: Invitae Variant Classification Sherloc (09022015). Collection method: clinical testing. Allele origin: germline.
Comment: In summary, the available evidence is currently insufficient to determine the role of this variant in disease. Therefore, it has been classified as a Variant of Uncertain Significance. Experimental studies have shown that this variant affects ALAD protein function (PMID: 17236137). This variant has been observed in individual(s) with acute hepatic porphyria (PMID: 2063868). ClinVar contains an entry for this variant (Variation ID: 16863). This variant is present in population databases (rs121912981, ExAC 0.002%). This sequence change replaces valine with methionine at codon 275 of the ALAD protein (p.Val275Met). The valine residue is highly conserved and there is a small physicochemical difference between valine and methionine.

OMIM
Classification: Pathogenic for PORPHYRIA, ACUTE HEPATIC. Last evaluated: 1991-07-01. Review status: no assertion criteria provided. Collection method: literature only. Allele origin: germline. Not counted in ClinVar's aggregate classification.

Literature cited by the submitters: PubMed 17236137 (cited by Labcorp Genetics (formerly Invitae), Labcorp); PubMed 2063868 (cited by Labcorp Genetics (formerly Invitae), Labcorp and OMIM).

NM_000031.6(ALAD):c.823G>A (p.Val275Met)

Gene: ALAD (aminolevulinate dehydratase; minus strand). Cytogenetic location: 9q32.
Variant type: single nucleotide variant.
Coding change: c.823G>A on transcript NM_000031.6 (MANE Select); coding-DNA position 823, G replaced by A.
Protein change: p.Val275Met; replaces valine 275 with methionine.
Molecular consequence: missense variant.
Genome position (GRCh38, 1-based): chr9:113,389,085, C>T on the plus strand (G>A on the coding strand, the complement: ALAD is on the minus strand). VCF-style: chr9-113389085-C-T. GRCh37 (hg19) VCF-style: chr9-116151365-C-T.
Other names: c.910G>A, p.Val304Met (NM_001003945.3); c.799G>A, p.Val267Met (NM_001317745.2); short protein forms V275M, V267M, V304M.
Identifiers: ClinVar variation 16863 (VCV000016863.8), dbSNP rs121912981, ClinGen allele CA126932.
Genomic context (GRCh38, chr9:113,389,085, plus strand): 5'-CAAATGCCCCGGCCTGGGCTCCATGCCACAGCATGGCAAACTCTCCAGAGACGTGGTACA[C>T]GGCGAGAGGGAGGTCAGGGTGCTGCAGGGAAGCAGACAGGGAGACAGGCTGAAATGGAGG-3'
Protein context (NP_000022.3, residues 265-285): KDKHPDLPLA[Val275Met]YHVSGEFAML